The following is an entry in ClinVar:

NC_012920.1(MT-ATP6):m.8615T>C

Gene: MT-ATP6 (mitochondrially encoded ATP synthase 6; plus strand).
Variant type: single nucleotide variant.
Genome position: chrM-8615-T-C.
Identifiers: ClinVar variation 692925 (VCV000692925.1), dbSNP rs1603221637, ClinGen allele CA414796941.

ClinVar aggregate classification (germline): Uncertain significance (1 of 4 stars; one submission).

Conditions:
Leigh syndrome (NULS). Also called: Leigh's necrotizing encephalopathy; Leigh's disease; Leigh Syndrome (mtDNA deletion); Leigh Disease; Subacute necrotizing encephalopathy; Necrotizing encephalopathy infantile subacute of Leigh. Identifiers: Orphanet 506, MedGen C2931891, MONDO:0009723, OMIM 256000.

Submission:

Wong Mito Lab, Molecular and Human Genetics, Baylor College of Medicine
Classification: Uncertain significance for Leigh syndrome. Last evaluated: 2019-10-17. Review status: criteria provided, single submitter. Criteria: Modified ACMG Guidelines (Unpublished). Collection method: clinical testing. Allele origin: germline.
Comment: The NC_012920.1:m.8615T>C (YP_003024031.1:p.Leu30Ser) variant in MTATP6 gene is interpretated to be a Uncertain Significance variant based on the modified ACMG guidelines (unpublished). This variant meets the following evidence codes: PP4, PP6